The following is an entry in ClinVar:

ClinVar aggregate classification (germline): Uncertain significance (1 of 4 stars; one submission).

Conditions:
Spinocerebellar ataxia, autosomal recessive, with axonal neuropathy 2 (SCAN2). Also called: ATAXIA-OCULOMOTOR APRAXIA 2; Ataxia with Oculomotor Apraxia; Ataxia-ocular apraxia-2; Ataxia with Oculomotor Apraxia Type 2. Identifiers: Orphanet 64753, MedGen C1853761, MONDO:0018996, OMIM 606002.
Amyotrophic lateral sclerosis type 4 (ALS4). Also called: AMYOTROPHIC LATERAL SCLEROSIS 4, JUVENILE; NEURONOPATHY, DISTAL HEREDITARY MOTOR, WITH PYRAMIDAL FEATURES. Identifiers: Orphanet 357043, MedGen C1865409, MONDO:0011223, OMIM 602433.

Submission:

Labcorp Genetics (formerly Invitae), Labcorp
Classification: Uncertain significance for Amyotrophic lateral sclerosis type 4; Spinocerebellar ataxia, autosomal recessive, with axonal neuropathy 2. Last evaluated: 2025-03-30. Review status: criteria provided, single submitter. Criteria: Invitae Variant Classification Sherloc (09022015). Collection method: clinical testing. Allele origin: germline.
Comment: This sequence change replaces arginine, which is basic and polar, with lysine, which is basic and polar, at codon 1143 of the SETX protein (p.Arg1143Lys). This variant is not present in population databases (gnomAD no frequency). This variant has not been reported in the literature in individuals affected with SETX-related conditions. Invitae Evidence Modeling of protein sequence and biophysical properties (such as structural, functional, and spatial information, amino acid conservation, physicochemical variation, residue mobility, and thermodynamic stability) indicates that this missense variant is not expected to disrupt SETX protein function with a negative predictive value of 95%. In summary, the available evidence is currently insufficient to determine the role of this variant in disease. Therefore, it has been classified as a Variant of Uncertain Significance.

NM_015046.7(SETX):c.3428G>A (p.Arg1143Lys)

Gene: SETX (senataxin; minus strand). Cytogenetic location: 9q34.13.
Variant type: single nucleotide variant.
Coding change: c.3428G>A on transcript NM_015046.7 (MANE Select); coding-DNA position 3428, G replaced by A.
Protein change: p.Arg1143Lys; replaces arginine 1143 with lysine.
Molecular consequence: missense variant.
Genome position (GRCh38, 1-based): chr9:132,328,170, C>T on the plus strand (G>A on the coding strand, the complement: SETX is on the minus strand). VCF-style: chr9-132328170-C-T. GRCh37 (hg19) VCF-style: chr9-135203557-C-T.
Other names: c.3428G>A, p.Arg1143Lys (NM_001351527.2, NM_001351528.2); short protein forms R1143K.
Identifiers: ClinVar variation 4789537 (VCV004789537.1).